The following is an entry in ClinVar:

ClinVar aggregate classification (germline): Likely benign (0 of 4 stars; one submission).

Conditions:
RAB11FIP5-related disorder. Also called: RAB11FIP5-related condition.

Submission:

PreventionGenetics, part of Exact Sciences
Classification: Likely benign for RAB11FIP5-related condition. Last evaluated: 2019-06-07. Review status: no assertion criteria provided. Collection method: clinical testing. Allele origin: germline.
Comment: This variant is classified as likely benign based on ACMG/AMP sequence variant interpretation guidelines (Richards et al. 2015 PMID: 25741868, with internal and published modifications).

NM_001371272.1(RAB11FIP5):c.255G>C (p.Leu85=)

Gene: RAB11FIP5 (RAB11 family interacting protein 5; minus strand). Cytogenetic location: 2p13.2.
Variant type: single nucleotide variant.
Coding change: c.255G>C on transcript NM_001371272.1 (MANE Select); coding-DNA position 255, G replaced by C.
Protein change: p.Leu85=; no amino-acid change (leucine 85 retained).
Molecular consequence: synonymous variant.
Genome position (GRCh38, 1-based): chr2:73,112,523, C>G on the plus strand (G>C on the coding strand, the complement: RAB11FIP5 is on the minus strand). VCF-style: chr2-73112523-C-G. GRCh37 (hg19) VCF-style: chr2-73339651-C-G.
Other names: c.255G>C, p.Leu85= (NM_015470.3).
Identifiers: ClinVar variation 3039252 (VCV003039252.2), dbSNP rs2529643969, ClinGen allele CA427023908.